The following is an entry in ClinVar:

NM_198994.3(TGM6):c.1808C>T (p.Thr603Ile)

Gene: TGM6 (transglutaminase 6; plus strand). Cytogenetic location: 20p13.
Variant type: single nucleotide variant.
Coding change: c.1808C>T on transcript NM_198994.3 (MANE Select); coding-DNA position 1808, C replaced by T.
Protein change: p.Thr603Ile; replaces threonine 603 with isoleucine.
Molecular consequence: missense variant.
Genome position (GRCh38, 1-based): chr20:2,430,575, C>T. VCF-style: chr20-2430575-C-T. GRCh37 (hg19) VCF-style: chr20-2411221-C-T.
Other names: c.1808C>T, p.Thr603Ile (NM_001254734.2); short protein forms T603I.
Identifiers: ClinVar variation 4874140 (VCV004874140.2).

ClinVar aggregate classification (germline): Uncertain significance (1 of 4 stars; one submission).

gnomAD v4.1: 1 of 1,614,178 alleles (0.000062%); highest among the groups gnomAD compares: South Asian, 0.0011%; no homozygotes.

Submission:

CeGaT Center for Human Genetics Tuebingen
Classification: Uncertain significance. Last evaluated: 2026-06-01. Review status: criteria provided, single submitter. Criteria: CeGaT Center For Human Genetics Tuebingen Variant Classification Criteria Version 2. Collection method: clinical testing. Allele origin: germline. Affected: yes. Observed: 2 variant alleles.
Comment: TGM6: PM2